The following is an entry in ClinVar:

ClinVar aggregate classification (germline): Uncertain significance (1 of 4 stars; one submission).

Submission:

Labcorp Genetics (formerly Invitae), Labcorp
Classification: Uncertain significance. Last evaluated: 2024-12-03. Review status: criteria provided, single submitter. Criteria: Invitae Variant Classification Sherloc (09022015). Collection method: clinical testing. Allele origin: germline.
Comment: This sequence change replaces arginine, which is basic and polar, with glycine, which is neutral and non-polar, at codon 886 of the CACNA1E protein (p.Arg886Gly). This variant is not present in population databases (gnomAD no frequency). This variant has not been reported in the literature in individuals affected with CACNA1E-related conditions. Invitae Evidence Modeling of protein sequence and biophysical properties (such as structural, functional, and spatial information, amino acid conservation, physicochemical variation, residue mobility, and thermodynamic stability) indicates that this missense variant is not expected to disrupt CACNA1E protein function with a negative predictive value of 95%. In summary, the available evidence is currently insufficient to determine the role of this variant in disease. Therefore, it has been classified as a Variant of Uncertain Significance.

NM_001205293.3(CACNA1E):c.2656A>G (p.Arg886Gly)

Gene: CACNA1E (calcium voltage-gated channel subunit alpha1 E; plus strand). Cytogenetic location: 1q25.3.
Variant type: single nucleotide variant.
Coding change: c.2656A>G on transcript NM_001205293.3 (MANE Select); coding-DNA position 2656, A replaced by G.
Protein change: p.Arg886Gly; replaces arginine 886 with glycine.
Molecular consequence: missense variant.
Genome position (GRCh38, 1-based): chr1:181,732,742, A>G. VCF-style: chr1-181732742-A-G. GRCh37 (hg19) VCF-style: chr1-181701878-A-G.
Other names: c.2656A>G, p.Arg886Gly (NM_000721.4); c.2599A>G, p.Arg867Gly (NM_001205294.2); short protein forms R867G, R886G.
Identifiers: ClinVar variation 3633669 (VCV003633669.2).
Genomic context (GRCh38, chr1:181,732,742, plus strand): 5'-GCCCTGGACAACCAGAGGACCCCTTTGTCCCTGGGCCAGCGGGAGCCACCATGGCTGGCC[A>G]GGCCCTGTCATGGAAACTGTGACCCGACTCAGCAGGAGGCAGGGGGAGGAGAGGCTGTGG-3'
Protein context (NP_001192222.1, residues 876-896): LGQREPPWLA[Arg886Gly]PCHGNCDPTQ